The following is an entry in ClinVar:

NM_001267550.2(TTN):c.48396dup (p.Asn16133Ter)

Genes: TTN (titin; minus strand), TTN-AS1 (TTN antisense RNA 1; plus strand). Cytogenetic location: 2q31.2.
Variant type: Duplication.
Coding change: c.48396dup on transcript NM_001267550.2 (MANE Select); coding-DNA position 48396, one base duplicated (T; older notation c.48396dupT).
Protein change: p.Asn16133Ter; replaces asparagine 16133 with a stop codon.
Molecular consequence: nonsense.
Genome position (GRCh38, 1-based): chr2:178,615,705, A duplicated on the plus strand (T on the coding strand, the reverse complement: TTN is on the minus strand). VCF-style (leftmost placement, unchanged base first): chr2-178615704-T-TA. GRCh37 (hg19) VCF-style: chr2-179480431-T-TA.
Other names: c.43473dup, p.Asn14492Ter (NM_001256850.1); c.21201dup, p.Asn7068Ter (NM_003319.4); c.40692dup, p.Asn13565Ter (NM_133378.4); c.21576dup, p.Asn7193Ter (NM_133432.3); c.21777dup, p.Asn7260Ter (NM_133437.4); short protein forms N13565*, N14492*, N16133*, N7068*, N7193*, N7260*.
Identifiers: ClinVar variation 2651639 (VCV002651639.26), dbSNP rs2470760403, ClinGen allele CA2662132724.

ClinVar aggregate classification (germline): Pathogenic/Likely pathogenic. Review status: criteria provided, multiple submitters, no conflicts (2 of 4 stars). 2 submissions from 2 submitters: Pathogenic (1); Likely pathogenic (1). Last evaluated 2023-02-01.

Conditions:
Early-onset myopathy with fatal cardiomyopathy (CMYO5). Also called: Salih Myopathy; CONGENITAL MYOPATHY 5 WITH CARDIOMYOPATHY. Identifiers: Orphanet 289377, MedGen C2673677, MONDO:0012714, OMIM 611705. Disease mechanism: loss of function.

Allele frequency attached by ClinVar (database versions not stated): gnomAD exomes below 0.00001.

Submissions (2):

CeGaT Center for Human Genetics Tuebingen
Classification: Pathogenic. Last evaluated: 2023-02-01. Review status: criteria provided, single submitter. Criteria: CeGaT Center For Human Genetics Tuebingen Variant Classification Criteria Version 2. Collection method: clinical testing. Allele origin: germline. Affected: yes. Observed: 1 variant allele.
Comment: TTN: PVS1, PM2

Juno Genomics, Hangzhou Juno Genomics, Inc
Classification: Likely pathogenic for Early-onset myopathy with fatal cardiomyopathy. Review status: criteria provided, single submitter. Criteria: ACMG Guidelines, 2015. Collection method: clinical testing. Allele origin: germline. Affected: yes.
Comment: Null variant in a gene where loss of function (LOF) is a known mechanism of disease.;Absent from controls (or at extremely low frequency if recessive) in Genome Aggregation Database, Exome Sequencing Project, 1000 Genomes Project, or Exome Aggregation Consortium.